The following is an entry in ClinVar:

ClinVar aggregate classification (germline): Likely benign. Review status: criteria provided, multiple submitters, no conflicts (2 of 4 stars). 2 submissions from 2 submitters: Likely benign (2). Last evaluated 2024-01-02.

Allele frequency attached by ClinVar (database versions not stated): TOPMed below 0.00001.
gnomAD v4.1: 13 of 1,613,654 alleles (0.00081%); highest among the groups gnomAD compares: East Asian, 0.0022%; no homozygotes.

Submissions (2):

Labcorp Genetics (formerly Invitae), Labcorp
Classification: Likely benign. Last evaluated: 2024-01-02. Review status: criteria provided, single submitter. Criteria: Invitae Variant Classification Sherloc (09022015). Collection method: clinical testing. Allele origin: germline.

CeGaT Center for Human Genetics Tuebingen
Classification: Likely benign. Last evaluated: 2022-12-01. Review status: criteria provided, single submitter. Criteria: CeGaT Center For Human Genetics Tuebingen Variant Classification Criteria Version 2. Collection method: clinical testing. Allele origin: germline. Affected: yes. Observed: 1 variant allele.
Comment: MYO7A: BP4, BP7

NM_000260.4(MYO7A):c.2082G>A (p.Pro694=)

Gene: MYO7A (myosin VIIA; plus strand). Cytogenetic location: 11q13.5.
Variant type: single nucleotide variant.
Coding change: c.2082G>A on transcript NM_000260.4 (MANE Select); coding-DNA position 2082, G replaced by A.
Protein change: p.Pro694=; no amino-acid change (proline 694 retained).
Molecular consequence: synonymous variant.
Genome position (GRCh38, 1-based): chr11:77,174,902, G>A. VCF-style: chr11-77174902-G-A. GRCh37 (hg19) VCF-style: chr11-76885948-G-A.
Other names: c.2082G>A, p.Pro694= (NM_001127180.2); c.2049G>A, p.Pro683= (NM_001369365.1).
Identifiers: ClinVar variation 1144397 (VCV001144397.32), dbSNP rs782034714, ClinGen allele CA6197681.